The following is an entry in ClinVar:

NM_001853.4(COL9A3):c.583A>G (p.Thr195Ala)

Gene: COL9A3 (collagen type IX alpha 3 chain; plus strand). Cytogenetic location: 20q13.33.
Variant type: single nucleotide variant.
Coding change: c.583A>G on transcript NM_001853.4 (MANE Select); coding-DNA position 583, A replaced by G.
Protein change: p.Thr195Ala; replaces threonine 195 with alanine.
Molecular consequence: missense variant.
Genome position (GRCh38, 1-based): chr20:62,824,974, A>G. VCF-style: chr20-62824974-A-G. GRCh37 (hg19) VCF-style: chr20-61456326-A-G.
Other names: short protein forms T195A.
Identifiers: ClinVar variation 1064975 (VCV001064975.9), dbSNP rs746531996, ClinGen allele CA9949375.

ClinVar aggregate classification (germline): Uncertain significance. Review status: criteria provided, multiple submitters, no conflicts (2 of 4 stars). 3 submissions from 3 submitters: Uncertain significance (3). Last evaluated 2024-05-12.

Conditions:
Inborn genetic diseases. Identifiers: MedGen C0950123, MeSH D030342.
Hearing impairment. Also called: Impaired Hearing. Identifiers: MedGen C1384666, MONDO:0005365, HP:0000365.

Allele frequency attached by ClinVar (database versions not stated): gnomAD exomes below 0.00001; ExAC 0.00001; gnomAD 0.00001.
gnomAD v4.1: 2 of 1,609,588 alleles (0.00012%); highest among the groups gnomAD compares: Admixed American, 0.0017%; no homozygotes.

Submissions (3):

Labcorp Genetics (formerly Invitae), Labcorp
Classification: Uncertain significance. Last evaluated: 2024-05-12. Review status: criteria provided, single submitter. Criteria: Invitae Variant Classification Sherloc (09022015). Collection method: clinical testing. Allele origin: germline.
Comment: This sequence change replaces threonine, which is neutral and polar, with alanine, which is neutral and non-polar, at codon 195 of the COL9A3 protein (p.Thr195Ala). This variant is present in population databases (rs746531996, gnomAD 0.0009%). This variant has not been reported in the literature in individuals affected with COL9A3-related conditions. ClinVar contains an entry for this variant (Variation ID: 1064975). Advanced modeling of protein sequence and biophysical properties (such as structural, functional, and spatial information, amino acid conservation, physicochemical variation, residue mobility, and thermodynamic stability) performed at Invitae indicates that this missense variant is not expected to disrupt COL9A3 protein function with a negative predictive value of 95%. In summary, the available evidence is currently insufficient to determine the role of this variant in disease. Therefore, it has been classified as a Variant of Uncertain Significance.

Ambry Genetics
Classification: Uncertain significance for Inborn genetic diseases. Last evaluated: 2022-02-10. Review status: criteria provided, single submitter. Criteria: Ambry Variant Classification Scheme 2023. Collection method: clinical testing. Allele origin: germline.

Department of Otolaryngology – Head & Neck Surgery, Cochlear Implant Center
Classification: Uncertain significance for Hearing impairment. Last evaluated: 2021-04-12. Review status: criteria provided, single submitter. Criteria: ClinGen HL ACMG Specifications v1. Collection method: clinical testing. Allele origin: germline. Affected: yes.
Comment: PM2_Moderate, BP4_Supporting